The following is an entry in ClinVar:

NM_001364857.2(ADGRB2):c.4486G>T (p.Asp1496Tyr)

Gene: ADGRB2 (adhesion G protein-coupled receptor B2; minus strand). Cytogenetic location: 1p35.2.
Variant type: single nucleotide variant.
Coding change: c.4486G>T on transcript NM_001364857.2 (MANE Select); coding-DNA position 4486, G replaced by T.
Protein change: p.Asp1496Tyr; replaces aspartic acid 1496 with tyrosine.
Molecular consequence: missense variant.
Genome position (GRCh38, 1-based): chr1:31,728,211, C>A on the plus strand (G>T on the coding strand, the complement: ADGRB2 is on the minus strand). VCF-style: chr1-31728211-C-A. GRCh37 (hg19) VCF-style: chr1-32193812-C-A.
Other names: c.4483G>T, p.Asp1495Tyr (NM_001294335.2); c.4384G>T, p.Asp1462Tyr (NM_001294336.2); short protein forms D1495Y, D1496Y, D1462Y.
Identifiers: ClinVar variation 4762032 (VCV004762032.1).

ClinVar aggregate classification (germline): Uncertain significance (1 of 4 stars; one submission).

gnomAD v4.1: 2 of 1,614,038 alleles (0.00012%); highest among the groups gnomAD compares: African/African-American, 0.0027%; no homozygotes.

Submission:

Labcorp Genetics (formerly Invitae), Labcorp
Classification: Uncertain significance. Last evaluated: 2026-02-01. Review status: criteria provided, single submitter. Criteria: Invitae Variant Classification Sherloc (09022015). Collection method: clinical testing. Allele origin: germline.
Comment: This sequence change replaces aspartic acid, which is acidic and polar, with tyrosine, which is neutral and polar, at codon 1462 of the ADGRB2 protein (p.Asp1462Tyr). This variant is present in population databases (rs772348583, gnomAD 0.01%). This variant has not been reported in the literature in individuals affected with ADGRB2-related conditions. An algorithm developed to predict the effect of missense changes on protein structure and function (PolyPhen-2) suggests that this variant is likely to be disruptive. In summary, the available evidence is currently insufficient to determine the role of this variant in disease. Therefore, it has been classified as a Variant of Uncertain Significance.